The following is an entry in ClinVar:

ClinVar aggregate classification (germline): Uncertain significance. Review status: criteria provided, multiple submitters, no conflicts (2 of 4 stars). 3 submissions from 3 submitters: Uncertain significance (3). Last evaluated 2021-08-27.

Conditions:
Charcot-Marie-Tooth disease axonal type 2S. Also called: CHARCOT-MARIE-TOOTH DISEASE, AXONAL, AUTOSOMAL RECESSIVE, TYPE 2S; CHARCOT-MARIE-TOOTH NEUROPATHY, TYPE 2S. Identifiers: Orphanet 443073, MedGen C4015349, MONDO:0014511, OMIM 616155.
Autosomal recessive distal spinal muscular atrophy 1. Also called: SEVERE INFANTILE AXONAL NEUROPATHY WITH RESPIRATORY FAILURE; SPINAL MUSCULAR ATROPHY, DIAPHRAGMATIC; Spinal muscular atrophy with respiratory distress 1; NEURONOPATHY, DISTAL HEREDITARY MOTOR, HARDING TYPE VI; NEUROPATHY, DISTAL HEREDITARY MOTOR, AUTOSOMAL RECESSIVE 1; HMN VI. Identifiers: Orphanet 98920, MedGen C1858517, MONDO:0011436, OMIM 604320.
Charcot-Marie-Tooth disease. Also called: Charcot-Marie-Tooth Neuropathy; Charcot-Marie-Tooth Hereditary Neuropathy. Identifiers: Orphanet 166, MedGen C0007959, MONDO:0015626.

Allele frequency attached by ClinVar (database versions not stated): ExAC 0.00001; gnomAD 0.00001; gnomAD exomes 0.00001; TOPMed 0.00002.

Submissions (3):

Labcorp Genetics (formerly Invitae), Labcorp
Classification: Uncertain significance for Autosomal recessive distal spinal muscular atrophy 1; Charcot-Marie-Tooth disease axonal type 2S. Last evaluated: 2021-08-27. Review status: criteria provided, single submitter. Criteria: Invitae Variant Classification Sherloc (09022015). Collection method: clinical testing. Allele origin: germline.
Comment: This sequence change replaces arginine with glutamine at codon 62 of the IGHMBP2 protein (p.Arg62Gln). The arginine residue is weakly conserved and there is a small physicochemical difference between arginine and glutamine. This variant is present in population databases (rs774522176, ExAC 0.001%). This variant has not been reported in the literature in individuals affected with IGHMBP2-related conditions. Algorithms developed to predict the effect of missense changes on protein structure and function output the following: SIFT: "Tolerated"; PolyPhen-2: "Benign"; Align-GVGD: "Class C0". The glutamine amino acid residue is found in multiple mammalian species, which suggests that this missense change does not adversely affect protein function. Algorithms developed to predict the effect of sequence changes on RNA splicing suggest that this variant may create or strengthen a splice site. In summary, the available evidence is currently insufficient to determine the role of this variant in disease. Therefore, it has been classified as a Variant of Uncertain Significance.

Blueprint Genetics
Classification: Uncertain significance. Last evaluated: 2018-10-23. Review status: criteria provided, single submitter. Criteria: ACMG Guidelines, 2015. Collection method: clinical testing. Allele origin: germline.

Molecular Genetics Laboratory, London Health Sciences Centre
Classification: Uncertain significance for Charcot-Marie-Tooth disease. Review status: criteria provided, single submitter. Criteria: ACMG Guidelines, 2015. Collection method: clinical testing. Allele origin: germline. Affected: yes.

NM_002180.3(IGHMBP2):c.185G>A (p.Arg62Gln)

Gene: IGHMBP2 (immunoglobulin mu DNA binding protein 2; plus strand). Cytogenetic location: 11q13.3.
Variant type: single nucleotide variant.
Coding change: c.185G>A on transcript NM_002180.3 (MANE Select); coding-DNA position 185, G replaced by A.
Protein change: p.Arg62Gln; replaces arginine 62 with glutamine.
Molecular consequence: missense variant.
Genome position (GRCh38, 1-based): chr11:68,906,167, G>A. VCF-style: chr11-68906167-G-A. GRCh37 (hg19) VCF-style: chr11-68673635-G-A.
Other names: short protein forms R62Q.
Identifiers: ClinVar variation 917010 (VCV000917010.9), dbSNP rs774522176, ClinGen allele CA6153210.